The following is an entry in ClinVar:

NM_004655.4(AXIN2):c.2282C>A (p.Ala761Asp)

Gene: AXIN2 (axin 2; minus strand). Cytogenetic location: 17q24.1.
Variant type: single nucleotide variant.
Coding change: c.2282C>A on transcript NM_004655.4 (MANE Select); coding-DNA position 2282, C replaced by A.
Protein change: p.Ala761Asp; replaces alanine 761 with aspartic acid.
Molecular consequence: missense variant.
Genome position (GRCh38, 1-based): chr17:65,534,035, G>T on the plus strand (C>A on the coding strand, the complement: AXIN2 is on the minus strand). VCF-style: chr17-65534035-G-T. GRCh37 (hg19) VCF-style: chr17-63530153-G-T.
Other names: p.A761D:GCC>GAC; c.2282C>A (LRG_296t1); c.2087C>A, p.Ala696Asp (NM_001363813.1); short protein forms A761D, A696D.
Identifiers: ClinVar variation 136489 (VCV000136489.35), dbSNP rs79732150, ClinGen allele CA289657.
Genomic context (GRCh38, chr17:65,534,035, plus strand): 5'-AGCATCCTCCGGTATGGAATTTCTTCCCCACAGAAAAAGTAAGTGACAACCAACTCACTG[G>T]CCTGGAGCGCGTGGACACCTGCCAGTTTCTTTGGCTCTTTGTGACTGAAAATAAGATGGA-3'
Protein context (NP_004646.3, residues 751-771): KKLAGVHALQ[Ala761Asp]SELVVTYFFC

ClinVar aggregate classification (germline): Benign/Likely benign. Review status: criteria provided, multiple submitters, no conflicts (2 of 4 stars). 15 submissions from 15 submitters: Benign (8); Likely benign (5). 2 of the submissions do not count toward it. Last evaluated 2026-03-04.

Conditions:
AXIN2-related disorder.
Colorectal cancer. Also called: Colorectal cancer, somatic; Malignant Colorectal Neoplasm. Identifiers: MedGen C0346629, MONDO:0005575, OMIM 114500.
Oligodontia-cancer predisposition syndrome. Also called: TOOTH AGENESIS-COLORECTAL CANCER SYNDROME. Identifiers: Orphanet 300576, MedGen C1837750, MONDO:0012075, OMIM 608615. Disease mechanism: loss of function.
Hereditary cancer-predisposing syndrome. Also called: Tumor predisposition; Hereditary neoplastic syndrome; Neoplastic Syndromes, Hereditary; Hereditary Cancer Syndrome. Identifiers: Orphanet 140162, MedGen C0027672, MeSH D009386, MONDO:0015356.

Allele frequency attached by ClinVar (database versions not stated): gnomAD exomes 0.00147; ExAC 0.00184; gnomAD 0.00604 and 0.00649; TOPMed 0.00649; 1000 Genomes Project 0.00659; ESP Exome Variant Server 0.00677; 1000 Genomes Project 30x 0.00734.
gnomAD v4.1: 1,751 of 1,614,230 alleles (0.11%); highest among the groups gnomAD compares: African/African-American, 2.1%; 15 homozygotes.

Submissions (15):

Myriad Genetics, Inc.
Classification: Likely benign for Oligodontia-cancer predisposition syndrome. Last evaluated: 2026-03-04. Review status: criteria provided, single submitter. Criteria: Myriad Autosomal Dominant, Autosomal Recessive and X-Linked Classification Criteria (2023). Collection method: clinical testing. Allele origin: unknown.
Comment: This variant is considered likely benign. This variant has been observed at a population frequency that is significantly greater than expected given the associated disease prevalence and penetrance.

Labcorp Genetics (formerly Invitae), Labcorp
Classification: Benign for Oligodontia-cancer predisposition syndrome. Last evaluated: 2026-02-01. Review status: criteria provided, single submitter. Criteria: Invitae Variant Classification Sherloc (09022015). Collection method: clinical testing. Allele origin: germline.

Dasa
Classification: Benign. Last evaluated: 2025-11-24. Review status: criteria provided, single submitter. Criteria: DASA Assertion Criteria. Collection method: clinical testing. Allele origin: germline.
Comment: NM_004655.4(AXIN2):c.2282C>A (p.Ala761Asp) is a missense variant that results in the substitution of alanine with aspartic acid. Population frequency is inconsistent with a disease-causing role for this variant. Computational prediction algorithms are consistent with a benign effect. Therefore, based on the currently available evidence, this variant is classified as benign.

Quest Diagnostics Nichols Institute San Juan Capistrano
Classification: Benign. Last evaluated: 2025-09-10. Review status: criteria provided, single submitter. Criteria: Quest Diagnostics criteria. Collection method: clinical testing. Allele origin: unknown.

Center for Genomic Medicine, Rigshospitalet, Copenhagen University Hospital
Classification: Benign. Last evaluated: 2025-03-04. Review status: criteria provided, single submitter. Criteria: ACMG Guidelines, 2015. Collection method: clinical testing. Allele origin: germline.

Blueprint Genetics
Classification: Likely benign. Last evaluated: 2024-11-27. Review status: criteria provided, single submitter. Criteria: ACMG Guidelines, 2015. Collection method: clinical testing. Allele origin: germline.

KCCC/NGS Laboratory, Kuwait Cancer Control Center
Classification: Benign for Oligodontia-cancer predisposition syndrome. Last evaluated: 2023-07-07. Review status: criteria provided, single submitter. Criteria: ACMG Guidelines, 2015. Collection method: clinical testing. Allele origin: germline. Affected: yes.

Fulgent Genetics
Classification: Likely benign for Colorectal cancer; Oligodontia-cancer predisposition syndrome. Last evaluated: 2021-10-24. Review status: criteria provided, single submitter. Criteria: ACMG Guidelines, 2015. Collection method: clinical testing. Allele origin: unknown.

Ambry Genetics
Classification: Benign for Hereditary cancer-predisposing syndrome. Last evaluated: 2018-10-29. Review status: criteria provided, single submitter. Criteria: Ambry Variant Classification Scheme 2023. Collection method: clinical testing. Allele origin: germline.

Women's Health and Genetics/Laboratory Corporation of America, LabCorp
Classification: Benign. Last evaluated: 2018-04-06. Review status: criteria provided, single submitter. Criteria: LabCorp Variant Classification Summary - May 2015. Collection method: clinical testing. Allele origin: germline.
Comment: Variant summary: AXIN2 c.2282C>A (p.Ala761Asp) results in a non-conservative amino acid change located in the DIX domain of the encoded protein sequence. Four of five in-silico tools predict a benign effect of the variant on protein function. The variant allele was found at a frequency of 0.0018 in 121402 control chromosomes. The observed variant frequency is approximately 13 fold of the estimated maximal expected allele frequency for a pathogenic variant in AXIN2 causing Colorectal Cancer phenotype (0.00014), strongly suggesting that the variant is benign. To our knowledge, no occurrence of c.2282C>A in individuals affected with Colorectal Cancer and no experimental evidence demonstrating its impact on protein function have been reported. Three clinical diagnostic laboratories have submitted clinical-significance assessments for this variant to ClinVar after 2014 without evidence for independent evaluation. All laboratories classified the variant as benign/likely benign. Based on the evidence outlined above, the variant was classified as benign.

Genetic Services Laboratory, University of Chicago
Classification: Likely benign. Last evaluated: 2016-08-19. Review status: criteria provided, single submitter. Criteria: ACMG Guidelines, 2015. Collection method: clinical testing. Allele origin: germline. Affected: no.

Vantari Genetics
Classification: Likely benign for Hereditary cancer-predisposing syndrome. Last evaluated: 2016-01-04. Review status: criteria provided, single submitter. Criteria: ACMG Guidelines, 2015. Collection method: clinical testing. Allele origin: germline.

GeneDx
Classification: Benign. Last evaluated: 2013-10-11. Review status: criteria provided, single submitter. Criteria: GeneDx Variant Classification (06012015). Collection method: clinical testing. Allele origin: germline. Affected: yes.
Comment: This variant is considered likely benign or benign based on one or more of the following criteria: it is a conservative change, it occurs at a poorly conserved position in the protein, it is predicted to be benign by multiple in silico algorithms, and/or has population frequency not consistent with disease.

PreventionGenetics, part of Exact Sciences
Classification: Benign for AXIN2-related condition. Last evaluated: 2019-07-31. Review status: no assertion criteria provided. Collection method: clinical testing. Allele origin: germline. Not counted in ClinVar's aggregate classification.
Comment: This variant is classified as benign based on ACMG/AMP sequence variant interpretation guidelines (Richards et al. 2015 PMID: 25741868, with internal and published modifications).

Mayo Clinic Laboratories, Mayo Clinic
Classification: Benign. Review status: no assertion criteria provided. Collection method: clinical testing. Allele origin: unknown. Not counted in ClinVar's aggregate classification.

Literature cited by the submitters: PubMed 28944238 (cited by Quest Diagnostics Nichols Institute San Juan Capistrano).